The following is an entry in ClinVar:

NM_020759.3(STARD9):c.8041G>A (p.Glu2681Lys)

Gene: STARD9 (StAR related lipid transfer domain containing 9; plus strand). Cytogenetic location: 15q15.2.
Variant type: single nucleotide variant.
Coding change: c.8041G>A on transcript NM_020759.3 (MANE Select); coding-DNA position 8041, G replaced by A.
Protein change: p.Glu2681Lys; replaces glutamic acid 2681 with lysine.
Molecular consequence: missense variant.
Genome position (GRCh38, 1-based): chr15:42,689,619, G>A. VCF-style: chr15-42689619-G-A. GRCh37 (hg19) VCF-style: chr15-42981817-G-A.
Other names: short protein forms E2681K.
Identifiers: ClinVar variation 4891072 (VCV004891072.1).

ClinVar aggregate classification (germline): Uncertain significance (1 of 4 stars; one submission).

gnomAD v4.1: 102 of 1,537,396 alleles (0.0066%); highest among the groups gnomAD compares: Non-Finnish European, 0.0085%; no homozygotes.

Submission:

Greenwood Genetic Center Diagnostic Laboratories, Greenwood Genetic Center
Classification: Uncertain significance. Last evaluated: 2026-05-14. Review status: criteria provided, single submitter. Criteria: ACMG Guidelines, 2015. Collection method: clinical testing. Allele origin: germline.
Comment: Gene of Uncertain Significance